The following is an entry in ClinVar:

NM_001286445.3(RIPOR2):c.1658C>T (p.Ala553Val)

Gene: RIPOR2 (RHO family interacting cell polarization regulator 2; minus strand). Cytogenetic location: 6p22.3.
Variant type: single nucleotide variant.
Coding change: c.1658C>T on transcript NM_001286445.3 (MANE Select); coding-DNA position 1658, C replaced by T.
Protein change: p.Ala553Val; replaces alanine 553 with valine.
Molecular consequence: missense variant.
Genome position (GRCh38, 1-based): chr6:24,843,061, G>A on the plus strand (C>T on the coding strand, the complement: RIPOR2 is on the minus strand). VCF-style: chr6-24843061-G-A. GRCh37 (hg19) VCF-style: chr6-24843289-G-A.
Other names: c.1673C>T, p.Ala558Val (NM_001286446.3); c.1571C>T, p.Ala524Val (NM_001286447.2, NM_001346031.2, NM_001346032.2 and 1 more transcripts); c.1721C>T, p.Ala574Val (NM_014722.5); c.1721C>T (NM_014722.4); short protein forms A524V, A558V, A574V, A553V.
Identifiers: ClinVar variation 3154619 (VCV003154619.4), dbSNP rs755613939, ClinGen allele CA3659218.
Genomic context (GRCh38, chr6:24,843,061, plus strand): 5'-TCAGATTCTCCACCAACAGAACCCTCAGAGAGCAGCCTGTCTGTGGCCATTGGCACCTCT[G>A]CAGATGTGAGCCTCTTGACCAGCTGCTTTGTGATGTTTCCTTCCGAAGTGTCCAGTTCCA-3'
Protein context (NP_001273374.1, residues 543-563): TKQLVKRLTS[Ala553Val]EVPMATDRLL

ClinVar aggregate classification (germline): Uncertain significance. Review status: criteria provided, multiple submitters, no conflicts (2 of 4 stars). 3 submissions from 3 submitters: Uncertain significance (2). 1 of the submissions does not count toward it. Last evaluated 2024-04-15.

Conditions:
RIPOR2-related disorder. Also called: RIPOR2-related condition.

Allele frequency attached by ClinVar (database versions not stated): TOPMed 0.00001; gnomAD exomes 0.00003; ExAC 0.00004.
gnomAD v4.1: 40 of 1,613,948 alleles (0.0025%); highest among the groups gnomAD compares: South Asian, 0.0033%; no homozygotes.

Submissions (3):

Labcorp Genetics (formerly Invitae), Labcorp
Classification: Uncertain significance. Last evaluated: 2024-04-15. Review status: criteria provided, single submitter. Criteria: Invitae Variant Classification Sherloc (09022015). Collection method: clinical testing. Allele origin: germline.
Comment: This sequence change replaces alanine, which is neutral and non-polar, with valine, which is neutral and non-polar, at codon 574 of the FAM65B protein (p.Ala574Val). This variant is present in population databases (rs755613939, gnomAD 0.006%). This variant has not been reported in the literature in individuals affected with FAM65B-related conditions. An algorithm developed to predict the effect of missense changes on protein structure and function (PolyPhen-2) suggests that this variant is likely to be tolerated. In summary, the available evidence is currently insufficient to determine the role of this variant in disease. Therefore, it has been classified as a Variant of Uncertain Significance.

Ambry Genetics
Classification: Uncertain significance. Last evaluated: 2024-01-16. Review status: criteria provided, single submitter. Criteria: Ambry Variant Classification Scheme 2023. Collection method: clinical testing. Allele origin: germline.

PreventionGenetics, part of Exact Sciences
Classification: Uncertain significance for RIPOR2-related condition. Last evaluated: 2024-07-03. Review status: no assertion criteria provided. Collection method: clinical testing. Allele origin: germline. Not counted in ClinVar's aggregate classification.
Comment: The RIPOR2 c.1721C>T variant is predicted to result in the amino acid substitution p.Ala574Val. To our knowledge, this variant has not been reported in the literature. This variant is reported in 0.0062% of alleles in individuals of European (Non-Finnish) descent in gnomAD. At this time, the clinical significance of this variant is uncertain due to the absence of conclusive functional and genetic evidence.